The following is an entry in ClinVar:

ClinVar aggregate classification (germline): Uncertain significance. Review status: criteria provided, multiple submitters, no conflicts (2 of 4 stars). 3 submissions from 3 submitters: Uncertain significance (3). Last evaluated 2026-01-14.

Conditions:
Inborn genetic diseases. Identifiers: MedGen C0950123, MeSH D030342.
RP2-related disorder. Also called: RP2-related condition.

Allele frequency attached by ClinVar (database versions not stated): gnomAD exomes below 0.00001; gnomAD 0.00001; TOPMed 0.00002.
gnomAD v4.1: 5 of 1,209,835 alleles (0.00041%); highest among the groups gnomAD compares: African/African-American, 0.007%; no homozygotes.

Submissions (3):

Ambry Genetics
Classification: Uncertain significance for Inborn genetic diseases. Last evaluated: 2026-01-14. Review status: criteria provided, single submitter. Criteria: Ambry Variant Classification Scheme 2023. Collection method: clinical testing. Allele origin: germline.

PreventionGenetics, part of Exact Sciences
Classification: Uncertain significance for RP2-related condition. Last evaluated: 2025-12-29. Review status: criteria provided, single submitter. Criteria: ACMG Guidelines, 2015. Collection method: clinical testing. Allele origin: germline.
Comment: The RP2 c.670T>G variant is predicted to result in the amino acid substitution p.Ser224Ala. To our knowledge, this variant has not been reported in the literature or in a large population database (gnomAD), indicating this variant is rare. At this time, the clinical significance of this variant is uncertain due to the absence of conclusive functional and genetic evidence.

Labcorp Genetics (formerly Invitae), Labcorp
Classification: Uncertain significance. Last evaluated: 2021-07-31. Review status: criteria provided, single submitter. Criteria: Invitae Variant Classification Sherloc (09022015). Collection method: clinical testing. Allele origin: germline.
Comment: This sequence change replaces serine with alanine at codon 224 of the RP2 protein (p.Ser224Ala). The serine residue is moderately conserved and there is a moderate physicochemical difference between serine and alanine. This variant is not present in population databases (ExAC no frequency). This variant has not been reported in the literature in individuals affected with RP2-related conditions. Algorithms developed to predict the effect of missense changes on protein structure and function (SIFT, PolyPhen-2, Align-GVGD) all suggest that this variant is likely to be tolerated. Algorithms developed to predict the effect of sequence changes on RNA splicing suggest that this variant may create or strengthen a splice site. In summary, the available evidence is currently insufficient to determine the role of this variant in disease. Therefore, it has been classified as a Variant of Uncertain Significance.

NM_006915.3(RP2):c.670T>G (p.Ser224Ala)

Gene: RP2 (RP2 activator of ARL3 GTPase; plus strand). Cytogenetic location: Xp11.3.
Variant type: single nucleotide variant.
Coding change: c.670T>G on transcript NM_006915.3 (MANE Select); coding-DNA position 670, T replaced by G.
Protein change: p.Ser224Ala; replaces serine 224 with alanine.
Molecular consequence: missense variant.
Genome position (GRCh38, 1-based): chrX:46,854,043, T>G. VCF-style: chrX-46854043-T-G. GRCh37 (hg19) VCF-style: chrX-46713478-T-G.
Other names: c.670T>G (NM_006915.2); short protein forms S224A.
Identifiers: ClinVar variation 1523070 (VCV001523070.5), dbSNP rs1169607335, ClinGen allele CA413040451.